The following is an entry in ClinVar:

ClinVar aggregate classification (germline): Uncertain significance (1 of 4 stars; one submission).

Allele frequency attached by ClinVar (database versions not stated): TOPMed below 0.00001; gnomAD 0.00002.

Submission:

Labcorp Genetics (formerly Invitae), Labcorp
Classification: Uncertain significance. Last evaluated: 2023-08-28. Review status: criteria provided, single submitter. Criteria: Invitae Variant Classification Sherloc (09022015). Collection method: clinical testing. Allele origin: germline.
Comment: In summary, the available evidence is currently insufficient to determine the role of this variant in disease. Therefore, it has been classified as a Variant of Uncertain Significance. Variants that disrupt the consensus splice site are a relatively common cause of aberrant splicing (PMID: 17576681, 9536098). Algorithms developed to predict the effect of sequence changes on RNA splicing suggest that this variant is not likely to affect RNA splicing. This variant has not been reported in the literature in individuals affected with DDX41-related conditions. This variant is present in population databases (no rsID available, gnomAD 0.006%). This sequence change falls in intron 16 of the DDX41 gene. It does not directly change the encoded amino acid sequence of the DDX41 protein. It affects a nucleotide within the consensus splice site.

Literature cited by the submitters: PubMed 17576681; PubMed 9536098.

NM_016222.4(DDX41):c.1732+6T>G

Gene: DDX41 (DEAD-box helicase 41; minus strand). Cytogenetic location: 5q35.3.
Variant type: single nucleotide variant.
Coding change: c.1732+6T>G on transcript NM_016222.4 (MANE Select); 6 bases into the intron after coding-DNA position 1732, T replaced by G.
Molecular consequence: intron variant.
Genome position (GRCh38, 1-based): chr5:177,512,090, A>C on the plus strand (T>G on the coding strand, the complement: DDX41 is on the minus strand). VCF-style: chr5-177512090-A-C. GRCh37 (hg19) VCF-style: chr5-176939091-A-C.
Other names: c.1354+6T>G (NM_001321830.2, NM_001321732.2).
Identifiers: ClinVar variation 2881112 (VCV002881112.3), dbSNP rs1458442961, ClinGen allele CA564900505.